The following is an entry in ClinVar:

ClinVar aggregate classification (germline): Likely benign. Review status: criteria provided, single submitter (1 of 4 stars). 2 submissions from 2 submitters: Likely benign (1). 1 of the submissions does not count toward it. Last evaluated 2016-08-09.

Conditions:
ARFGEF2-related disorder. Also called: ARFGEF2-related condition.

Allele frequency attached by ClinVar (database versions not stated): gnomAD 0.00001; gnomAD exomes 0.00002 and 0.00006; TOPMed 0.00002; ExAC 0.00003.
gnomAD v4.1: 87 of 1,613,994 alleles (0.0054%); highest among the groups gnomAD compares: Non-Finnish European, 0.007%; no homozygotes.

Submissions (2):

Genetic Services Laboratory, University of Chicago
Classification: Likely benign. Last evaluated: 2016-08-09. Review status: criteria provided, single submitter. Criteria: ACMG Guidelines, 2015. Collection method: clinical testing. Allele origin: germline. Affected: no.

PreventionGenetics, part of Exact Sciences
Classification: Likely benign for ARFGEF2-related condition. Last evaluated: 2019-11-11. Review status: no assertion criteria provided. Collection method: clinical testing. Allele origin: germline. Not counted in ClinVar's aggregate classification.
Comment: This variant is classified as likely benign based on ACMG/AMP sequence variant interpretation guidelines (Richards et al. 2015 PMID: 25741868, with internal and published modifications).

NM_006420.3(ARFGEF2):c.1203G>A (p.Leu401=)

Gene: ARFGEF2 (ARF guanine nucleotide exchange factor 2; plus strand). Cytogenetic location: 20q13.13.
Variant type: single nucleotide variant.
Coding change: c.1203G>A on transcript NM_006420.3 (MANE Select); coding-DNA position 1203, G replaced by A.
Protein change: p.Leu401=; no amino-acid change (leucine 401 retained).
Molecular consequence: synonymous variant.
Genome position (GRCh38, 1-based): chr20:48,971,132, G>A. VCF-style: chr20-48971132-G-A. GRCh37 (hg19) VCF-style: chr20-47587669-G-A.
Identifiers: ClinVar variation 434275 (VCV000434275.8), dbSNP rs747567218, ClinGen allele CA9898353.